The following is an entry in ClinVar:

NM_017909.4(RMND1):c.702T>A (p.Ala234=)

Gene: RMND1 (required for meiotic nuclear division 1 homolog; minus strand). Cytogenetic location: 6q25.1.
Variant type: single nucleotide variant.
Coding change: c.702T>A on transcript NM_017909.4 (MANE Select); coding-DNA position 702, T replaced by A.
Protein change: p.Ala234=; no amino-acid change (alanine 234 retained).
Molecular consequence: synonymous variant.
Genome position (GRCh38, 1-based): chr6:151,430,165, A>T on the plus strand (T>A on the coding strand, the complement: RMND1 is on the minus strand). VCF-style: chr6-151430165-A-T. GRCh37 (hg19) VCF-style: chr6-151751300-A-T.
Other names: c.192T>A, p.Ala64= (NM_001271937.2).
Identifiers: ClinVar variation 2430969 (VCV002430969.1), dbSNP rs371485156, ClinGen allele CA4050942.

ClinVar aggregate classification (germline): Uncertain significance (1 of 4 stars; one submission).

Allele frequency attached by ClinVar (database versions not stated): gnomAD 0.00001; gnomAD exomes 0.00001; TOPMed 0.00001; ExAC 0.00002; ESP Exome Variant Server 0.00008.
gnomAD v4.1: 9 of 1,601,632 alleles (0.00056%); highest among the groups gnomAD compares: Middle Eastern, 0.017%; no homozygotes.

Submission:

GeneDx
Classification: Uncertain significance. Last evaluated: 2022-08-24. Review status: criteria provided, single submitter. Criteria: GeneDx Variant Classification Process June 2021. Collection method: clinical testing. Allele origin: germline. Affected: yes.
Comment: Not observed at significant frequency in large population cohorts (gnomAD); In silico analysis supports that this variant does not alter splicing; Has not been previously published as pathogenic or benign to our knowledge